The following is an entry in ClinVar:

NM_004444.5(EPHB4):c.2443T>C (p.Ser815Pro)

Genes: EPHB4 (EPH receptor B4; minus strand), LOC126860124 (CDK7 strongly-dependent group 2 enhancer GRCh37_chr7:100403701-100404900; plus strand). Cytogenetic location: 7q22.1.
Variant type: single nucleotide variant.
Coding change: c.2443T>C on transcript NM_004444.5 (MANE Select); coding-DNA position 2443, T replaced by C.
Protein change: p.Ser815Pro; replaces serine 815 with proline.
Molecular consequence: missense variant.
Genome position (GRCh38, 1-based): chr7:100,806,461, A>G on the plus strand (T>C on the coding strand, the complement: EPHB4 is on the minus strand). VCF-style: chr7-100806461-A-G. GRCh37 (hg19) VCF-style: chr7-100404083-A-G.
Other names: short protein forms S815P.
Identifiers: ClinVar variation 2442591 (VCV002442591.1), dbSNP rs2485000585, ClinGen allele CA368567530.

ClinVar aggregate classification (germline): Uncertain significance (1 of 4 stars; one submission).

Submission:

GeneDx
Classification: Uncertain significance. Last evaluated: 2022-08-30. Review status: criteria provided, single submitter. Criteria: GeneDx Variant Classification Process June 2021. Collection method: clinical testing. Allele origin: germline. Affected: yes.
Comment: Not observed at significant frequency in large population cohorts (gnomAD); In silico analysis supports that this missense variant has a deleterious effect on protein structure/function; Has not been previously published as pathogenic or benign to our knowledge